The following is an entry in ClinVar:

ClinVar aggregate classification (germline): Uncertain significance (1 of 4 stars; one submission).

Conditions:
EGFR-related lung cancer (EGFR). Identifiers: MedGen CN130014.

gnomAD v4.1: 2 of 1,614,032 alleles (0.00012%); highest among the groups gnomAD compares: Non-Finnish European, 0.00017%; no homozygotes.

Submission:

Labcorp Genetics (formerly Invitae), Labcorp
Classification: Uncertain significance for EGFR-related lung cancer. Last evaluated: 2022-05-16. Review status: criteria provided, single submitter. Criteria: Invitae Variant Classification Sherloc (09022015). Collection method: clinical testing. Allele origin: germline.
Comment: In summary, the available evidence is currently insufficient to determine the role of this variant in disease. Therefore, it has been classified as a Variant of Uncertain Significance. Algorithms developed to predict the effect of missense changes on protein structure and function (SIFT, PolyPhen-2, Align-GVGD) all suggest that this variant is likely to be disruptive. This variant has not been reported in the literature in individuals affected with EGFR-related conditions. This variant is not present in population databases (gnomAD no frequency). This sequence change replaces valine, which is neutral and non-polar, with alanine, which is neutral and non-polar, at codon 168 of the EGFR protein (p.Val168Ala).

NM_005228.5(EGFR):c.503T>C (p.Val168Ala)

Gene: EGFR (epidermal growth factor receptor; plus strand). Cytogenetic location: 7p11.2.
Variant type: single nucleotide variant.
Coding change: c.503T>C on transcript NM_005228.5 (MANE Select); coding-DNA position 503, T replaced by C.
Protein change: p.Val168Ala; replaces valine 168 with alanine.
Molecular consequence: missense variant. On other transcripts: intron variant (3).
Genome position (GRCh38, 1-based): chr7:55,146,684, T>C. VCF-style: chr7-55146684-T-C. GRCh37 (hg19) VCF-style: chr7-55214377-T-C.
Other names: c.503T>C, p.Val168Ala (NM_001346898.2, NM_201282.2, NM_201283.2 and 1 more transcripts); c.344T>C, p.Val115Ala (NM_001346900.2); c.424+3196T>C (NM_001346899.2, NM_001346897.2); c.89-9146T>C (NM_001346941.2); short protein forms V115A, V168A.
Identifiers: ClinVar variation 1995029 (VCV001995029.4), dbSNP rs2128929538, ClinGen allele CA367576631.